The following is an entry in ClinVar:

NC_000023.10:g.(?_131211900)_(131216574_?)del

Gene: FRMD7 (FERM domain containing 7; minus strand). Cytogenetic location: Xq26.2.
Variant type: Deletion.
Identifiers: ClinVar variation 3246949 (VCV003246949.1).

ClinVar aggregate classification (germline): Pathogenic (1 of 4 stars; one submission).

Submission:

Labcorp Genetics (formerly Invitae), Labcorp
Classification: Pathogenic. Last evaluated: 2022-12-07. Review status: criteria provided, single submitter. Criteria: Invitae Variant Classification Sherloc (09022015). Collection method: clinical testing. Allele origin: unknown.
Comment: This variant has not been reported in the literature in individuals affected with FRMD7-related conditions. This variant is a gross deletion of the genomic region encompassing exon(s) 9-12 of the FRMD7 gene, which includes the termination codon. This deletion extends beyond the assayed region for this gene and therefore may encompass additional genes. While this deletion is not anticipated to lead to nonsense mediated decay, it is expected to alter mRNA translation or result in a truncated protein product. This variant disrupts a region of the FRMD7 protein in which other variant(s) (p.Phe497Metfs*26) have been determined to be pathogenic (PMID: 22065930; Invitae). This suggests that this is a clinically significant region of the protein, and that variants that disrupt it are likely to be disease-causing. For these reasons, this variant has been classified as Pathogenic.

Literature cited by the submitters: PubMed 22065930.